The following is an entry in ClinVar:

NM_001112726.3(CEP170B):c.594A>C (p.Pro198=)

Gene: CEP170B (centrosomal protein 170B; plus strand). Cytogenetic location: 14q32.33.
Variant type: single nucleotide variant.
Coding change: c.594A>C on transcript NM_001112726.3 (MANE Select); coding-DNA position 594, A replaced by C.
Protein change: p.Pro198=; no amino-acid change (proline 198 retained).
Molecular consequence: synonymous variant.
Genome position (GRCh38, 1-based): chr14:104,883,051, A>C. VCF-style: chr14-104883051-A-C. GRCh37 (hg19) VCF-style: chr14-105349388-A-C.
Other names: c.384A>C, p.Pro128= (NM_015005.3).
Identifiers: ClinVar variation 3058875 (VCV003058875.2), dbSNP rs2028414, ClinGen allele CA7375347.

ClinVar aggregate classification (germline): Benign (0 of 4 stars; one submission).

Conditions:
CEP170B-related disorder. Also called: CEP170B-related condition.

Allele frequency attached by ClinVar (database versions not stated): 1000 Genomes Project 0.51697; 1000 Genomes Project 30x 0.52545; TOPMed 0.58156; ESP Exome Variant Server 0.61533; gnomAD exomes 0.63177; ExAC 0.64738.
gnomAD v4.1: 959,378 of 1,529,066 alleles (63%); highest among the groups gnomAD compares: Middle Eastern, 73%; 306,830 homozygotes.

Submission:

PreventionGenetics, part of Exact Sciences
Classification: Benign for CEP170B-related condition. Last evaluated: 2019-10-17. Review status: no assertion criteria provided. Collection method: clinical testing. Allele origin: germline.
Comment: This variant is classified as benign based on ACMG/AMP sequence variant interpretation guidelines (Richards et al. 2015 PMID: 25741868, with internal and published modifications).